The following is an entry in ClinVar:

ClinVar aggregate classification (germline): Uncertain significance (1 of 4 stars; one submission).

Conditions:
Saldino-Mainzer syndrome (SRTD9). Also called: CONORENAL SYNDROME; Renal dysplasia, retinal pigmentary dystrophy, cerebellar ataxia and skeletal dysplasia; short-rib thoracic dysplasia 9 with or without polydactyly; SHORT-RIB THORACIC DYSPLASIA 9 WITHOUT POLYDACTYLY. Identifiers: Orphanet 140969, MedGen C1849437, MONDO:0009964, OMIM 266920.

Allele frequency attached by ClinVar (database versions not stated): TOPMed below 0.00001; gnomAD 0.00001; gnomAD exomes 0.00001; ExAC 0.00002; ESP Exome Variant Server 0.00008.
gnomAD v4.1: 11 of 1,608,558 alleles (0.00068%); highest among the groups gnomAD compares: African/African-American, 0.0027%; no homozygotes.

Submission:

Labcorp Genetics (formerly Invitae), Labcorp
Classification: Uncertain significance for Saldino-Mainzer syndrome. Last evaluated: 2022-04-02. Review status: criteria provided, single submitter. Criteria: Invitae Variant Classification Sherloc (09022015). Collection method: clinical testing. Allele origin: germline.
Comment: This sequence change falls in intron 26 of the IFT140 gene. It does not directly change the encoded amino acid sequence of the IFT140 protein. It affects a nucleotide within the consensus splice site. The frequency data for this variant in the population databases is considered unreliable, as metrics indicate poor data quality at this position in the gnomAD database. This variant has not been reported in the literature in individuals affected with IFT140-related conditions. ClinVar contains an entry for this variant (Variation ID: 1043367). Variants that disrupt the consensus splice site are a relatively common cause of aberrant splicing (PMID: 17576681, 9536098). Algorithms developed to predict the effect of sequence changes on RNA splicing suggest that this variant is not likely to affect RNA splicing. In summary, the available evidence is currently insufficient to determine the role of this variant in disease. Therefore, it has been classified as a Variant of Uncertain Significance.

Literature cited by the submitters: PubMed 17576681; PubMed 9536098.

NM_014714.4(IFT140):c.3453+4C>T

Gene: IFT140 (intraflagellar transport 140; minus strand). Cytogenetic location: 16p13.3.
Variant type: single nucleotide variant.
Coding change: c.3453+4C>T on transcript NM_014714.4 (MANE Select); 4 bases into the intron after coding-DNA position 3453, C replaced by T.
Molecular consequence: intron variant.
Genome position (GRCh38, 1-based): chr16:1,523,514, G>A on the plus strand (C>T on the coding strand, the complement: IFT140 is on the minus strand). VCF-style: chr16-1523514-G-A. GRCh37 (hg19) VCF-style: chr16-1573515-G-A.
Identifiers: ClinVar variation 1043367 (VCV001043367.6), dbSNP rs367744951, ClinGen allele CA7813173.
Genomic context (GRCh38, chr16:1,523,514, plus strand): 5'-GGGACAGGAGACCTGAGCCGTGGTGCCTGCGTGGAGCCGAGCCCAGGCCCCGCTGGCCCC[G>A]TACCTTCCTGGCAGCCAGCAGCAGCTCTACCGCCCTCTCGTACTGACTGTGCTCGATGAA-3'